The following is an entry in ClinVar:

ClinVar aggregate classification (germline): Benign/Likely benign. Review status: criteria provided, multiple submitters, no conflicts (2 of 4 stars). 3 submissions from 3 submitters: Benign (1); Likely benign (2). Last evaluated 2024-02-27.

Conditions:
Hereditary cancer-predisposing syndrome. Also called: Hereditary Cancer Syndrome; Neoplastic Syndromes, Hereditary; Tumor predisposition; Hereditary neoplastic syndrome. Identifiers: Orphanet 140162, MedGen C0027672, MeSH D009386, MONDO:0015356.
Familial adenomatous polyposis 1 (FAP1). Also called: POLYPOSIS, ADENOMATOUS INTESTINAL; FAMILIAL ADENOMATOUS POLYPOSIS 1, ATTENUATED. Identifiers: MedGen C2713442, MONDO:0021056, OMIM 175100. Disease mechanism: loss of function.

Submissions (3):

Myriad Genetics, Inc.
Classification: Benign for Familial adenomatous polyposis 1. Last evaluated: 2024-02-27. Review status: criteria provided, single submitter. Criteria: Myriad Autosomal Dominant, Autosomal Recessive and X-Linked Classification Criteria (2023). Collection method: clinical testing. Allele origin: unknown.
Comment: This variant is considered benign. This variant is a silent/synonymous amino acid change and it is not expected to impact splicing.

Ambry Genetics
Classification: Likely benign for Hereditary cancer-predisposing syndrome. Last evaluated: 2023-04-18. Review status: criteria provided, single submitter. Criteria: Ambry Variant Classification Scheme 2023. Collection method: clinical testing. Allele origin: germline.

Labcorp Genetics (formerly Invitae), Labcorp
Classification: Likely benign for Familial adenomatous polyposis 1. Last evaluated: 2022-08-16. Review status: criteria provided, single submitter. Criteria: Invitae Variant Classification Sherloc (09022015). Collection method: clinical testing. Allele origin: germline.

NM_000038.6(APC):c.903T>A (p.Pro301=)

Gene: APC (APC regulator of Wnt signaling pathway; plus strand). Cytogenetic location: 5q22.2.
Variant type: single nucleotide variant.
Coding change: c.903T>A on transcript NM_000038.6 (MANE Select); coding-DNA position 903, T replaced by A.
Protein change: p.Pro301=; no amino-acid change (proline 301 retained).
Molecular consequence: synonymous variant. On other transcripts: non-coding transcript variant (2).
Genome position (GRCh38, 1-based): chr5:112,815,563, T>A. VCF-style: chr5-112815563-T-A. GRCh37 (hg19) VCF-style: chr5-112151260-T-A.
Other names: c.903T>A (NM_000038.5); c.903T>A, p.Pro301= (NM_001127510.3, NM_001354895.2, NM_001354896.2 and 12 more transcripts); c.849T>A, p.Pro283= (NM_001127511.3); c.933T>A, p.Pro311= (NM_001354897.2, NM_001354902.2, NM_001407446.1); c.828T>A, p.Pro276= (NM_001354898.2, NM_001354904.2, NM_001407451.1); c.819T>A, p.Pro273= (NM_001354899.2, NM_001407452.1, NM_001407467.1 and 1 more transcripts); c.726T>A, p.Pro242= (NM_001354900.2, NM_001354901.2, NM_001354905.2 and 1 more transcripts); c.54T>A, p.Pro18= (NM_001354906.2, NM_001407470.1, NM_001407471.1 and 1 more transcripts).
Identifiers: ClinVar variation 2162226 (VCV002162226.6), dbSNP rs1554079205, ClinGen allele CA445755710.